The following is an entry in ClinVar:

ClinVar aggregate classification (germline): Uncertain significance (1 of 4 stars; one submission).

Conditions:
Frontotemporal dementia and/or amyotrophic lateral sclerosis 1 (FTDALS1). Also called: Frontotemporal dementia with motor neuron disease 1; C9orf72 Frontotemporal Dementia and/or Amyotrophic Lateral Sclerosis. Identifiers: Orphanet 275872, MedGen C5779877, MONDO:0007105, OMIM 105550.
Paget disease of bone 2, early-onset (PDB2). Also called: Paget disease of bone 2. Identifiers: MedGen C4085251, MONDO:0011183, OMIM 602080.

gnomAD v4.1: 2 of 1,613,784 alleles (0.00012%); highest among the groups gnomAD compares: African/African-American, 0.0027%; no homozygotes.

Submission:

Labcorp Genetics (formerly Invitae), Labcorp
Classification: Uncertain significance for Paget disease of bone 2, early-onset; Frontotemporal dementia and/or amyotrophic lateral sclerosis 1. Last evaluated: 2024-10-17. Review status: criteria provided, single submitter. Criteria: Invitae Variant Classification Sherloc (09022015). Collection method: clinical testing. Allele origin: germline.
Comment: This sequence change replaces alanine, which is neutral and non-polar, with valine, which is neutral and non-polar, at codon 247 of the SQSTM1 protein (p.Ala247Val). This variant is not present in population databases (gnomAD no frequency). This variant has not been reported in the literature in individuals affected with SQSTM1-related conditions. Invitae Evidence Modeling of protein sequence and biophysical properties (such as structural, functional, and spatial information, amino acid conservation, physicochemical variation, residue mobility, and thermodynamic stability) indicates that this missense variant is not expected to disrupt SQSTM1 protein function with a negative predictive value of 80%. In summary, the available evidence is currently insufficient to determine the role of this variant in disease. Therefore, it has been classified as a Variant of Uncertain Significance.

NM_003900.5(SQSTM1):c.740C>T (p.Ala247Val)

Gene: SQSTM1 (sequestosome 1; plus strand). Cytogenetic location: 5q35.3.
Variant type: single nucleotide variant.
Coding change: c.740C>T on transcript NM_003900.5 (MANE Select); coding-DNA position 740, C replaced by T.
Protein change: p.Ala247Val; replaces alanine 247 with valine.
Molecular consequence: missense variant.
Genome position (GRCh38, 1-based): chr5:179,825,212, C>T. VCF-style: chr5-179825212-C-T. GRCh37 (hg19) VCF-style: chr5-179252212-C-T.
Other names: c.488C>T, p.Ala163Val (NM_001142298.2, NM_001142299.2); short protein forms A163V, A247V.
Identifiers: ClinVar variation 3751838 (VCV003751838.2).